The following is an entry in ClinVar:

ClinVar aggregate classification (germline): Pathogenic (1 of 4 stars; one submission).

Submission:

Labcorp Genetics (formerly Invitae), Labcorp
Classification: Pathogenic. Last evaluated: 2023-07-16. Review status: criteria provided, single submitter. Criteria: Invitae Variant Classification Sherloc (09022015). Collection method: clinical testing. Allele origin: unknown.
Comment: For these reasons, this variant has been classified as Pathogenic. This variant has not been reported in the literature in individuals affected with TPO-related conditions. This variant is a gross deletion of the genomic region encompassing exon(s) 12-13 of the TPO gene. This deletion is out-of-frame, and is expected to create a premature termination codon and result in an absent or disrupted protein product. Loss-of-function variants in TPO are known to be pathogenic (PMID: 11061528, 23236987, 25564141).

Literature cited by the submitters: PubMed 11061528; PubMed 23236987; PubMed 25564141.

NC_000002.11:g.(?_1499741)_(1500557_?)del

Gene: TPO (thyroid peroxidase; plus strand). Cytogenetic location: 2p25.3.
Variant type: Deletion.
Identifiers: ClinVar variation 3247467 (VCV003247467.1).